The following is an entry in ClinVar:

NM_001349.4(DARS1):c.858T>G (p.Phe286Leu)

Gene: DARS1 (aspartyl-tRNA synthetase 1; minus strand). Cytogenetic location: 2q21.3.
Variant type: single nucleotide variant.
Coding change: c.858T>G on transcript NM_001349.4 (MANE Select); coding-DNA position 858, T replaced by G.
Protein change: p.Phe286Leu; replaces phenylalanine 286 with leucine.
Molecular consequence: missense variant.
Genome position (GRCh38, 1-based): chr2:135,920,554, A>C on the plus strand (T>G on the coding strand, the complement: DARS1 is on the minus strand). VCF-style: chr2-135920554-A-C. GRCh37 (hg19) VCF-style: chr2-136678124-A-C.
Other names: c.558T>G, p.Phe186Leu (NM_001293312.1); short protein forms F186L, F286L.
Identifiers: ClinVar variation 1981198 (VCV001981198.4), dbSNP rs369617769, ClinGen allele CA1889649.

ClinVar aggregate classification (germline): Uncertain significance (1 of 4 stars; one submission).

gnomAD v4.1: 2 of 1,613,656 alleles (0.00012%); highest among the groups gnomAD compares: Admixed American, 0.0033%; no homozygotes.

Submission:

Labcorp Genetics (formerly Invitae), Labcorp
Classification: Uncertain significance. Last evaluated: 2022-10-26. Review status: criteria provided, single submitter. Criteria: Invitae Variant Classification Sherloc (09022015). Collection method: clinical testing. Allele origin: germline.
Comment: This sequence change replaces phenylalanine, which is neutral and non-polar, with leucine, which is neutral and non-polar, at codon 286 of the DARS protein (p.Phe286Leu). In summary, the available evidence is currently insufficient to determine the role of this variant in disease. Therefore, it has been classified as a Variant of Uncertain Significance. Advanced modeling of protein sequence and biophysical properties (such as structural, functional, and spatial information, amino acid conservation, physicochemical variation, residue mobility, and thermodynamic stability) performed at Invitae indicates that this missense variant is expected to disrupt DARS protein function. This variant has not been reported in the literature in individuals affected with DARS-related conditions. This variant is present in population databases (rs369617769, gnomAD 0.003%).